The following is an entry in ClinVar:

ClinVar aggregate classification (germline): Uncertain significance (1 of 4 stars; one submission).

Submission:

Women's Health and Genetics/Laboratory Corporation of America, LabCorp
Classification: Uncertain significance. Last evaluated: 2026-03-24. Review status: criteria provided, single submitter. Criteria: LabCorp Variant Classification Summary - May 2015. Collection method: clinical testing. Allele origin: germline.
Comment: Variant summary: DONSON c.1032C>A (p.Ser344Arg) results in a non-conservative amino acid change in the encoded protein sequence. Algorithms developed to predict the effect of missense changes on protein structure and function are either unavailable or do not agree on the potential impact of this missense change. The variant was absent in 251376 control chromosomes. The available data on variant occurrences in the general population are insufficient to allow any conclusion about variant significance. To our knowledge, no occurrence of c.1032C>A in individuals affected with DONSON-related conditions and no experimental evidence demonstrating its impact on protein function have been reported. No submitters have cited clinical-significance assessments for this variant to ClinVar. Based on the evidence outlined above, the variant was classified as uncertain significance.

NM_017613.4(DONSON):c.1032C>A (p.Ser344Arg)

Gene: DONSON (DNA replication fork stabilization factor DONSON; minus strand). Cytogenetic location: 21q22.11.
Variant type: single nucleotide variant.
Coding change: c.1032C>A on transcript NM_017613.4 (MANE Select); coding-DNA position 1032, C replaced by A.
Protein change: p.Ser344Arg; replaces serine 344 with arginine.
Molecular consequence: missense variant.
Genome position (GRCh38, 1-based): chr21:33,582,179, G>T on the plus strand (C>A on the coding strand, the complement: DONSON is on the minus strand). VCF-style: chr21-33582179-G-T. GRCh37 (hg19) VCF-style: chr21-34954485-G-T.
Other names: short protein forms S344R.
Identifiers: ClinVar variation 4847716 (VCV004847716.1).